The following is an entry in ClinVar:

NM_003235.5(TG):c.3612dup (p.Gly1205fs)

Gene: TG (thyroglobulin; plus strand). Cytogenetic location: 8q24.22.
Variant type: Duplication.
Coding change: c.3612dup on transcript NM_003235.5 (MANE Select); coding-DNA position 3612, one base duplicated (C; older notation c.3612dupC).
Protein change: p.Gly1205fs; shifts the reading frame from glycine 1205.
Molecular consequence: frameshift variant.
Genome position (GRCh38, 1-based): chr8:132,901,531, C duplicated; the last of 2 consecutive C bases (chr8:132,901,530-132,901,531); duplicating either gives the same sequence. VCF-style (leftmost placement, unchanged base first): chr8-132901529-A-AC. GRCh37 (hg19) VCF-style: chr8-133913774-A-AC.
Other names: short protein forms G1205fs.
Identifiers: ClinVar variation 2710348 (VCV002710348.3), dbSNP rs2490067069, ClinGen allele CA2697550129.

ClinVar aggregate classification (germline): Pathogenic (1 of 4 stars; one submission).

Submission:

Labcorp Genetics (formerly Invitae), Labcorp
Classification: Pathogenic. Last evaluated: 2024-01-19. Review status: criteria provided, single submitter. Criteria: Invitae Variant Classification Sherloc (09022015). Collection method: clinical testing. Allele origin: germline.
Comment: This sequence change creates a premature translational stop signal (p.Gly1205Argfs*7) in the TG gene. It is expected to result in an absent or disrupted protein product. Loss-of-function variants in TG are known to be pathogenic (PMID: 19837936, 23164529). This variant is not present in population databases (gnomAD no frequency). This variant has not been reported in the literature in individuals affected with TG-related conditions. For these reasons, this variant has been classified as Pathogenic.

Literature cited by the submitters: PubMed 19837936; PubMed 23164529.